The following is an entry in ClinVar:

ClinVar aggregate classification (germline): Uncertain significance (1 of 4 stars; one submission).

Conditions:
Nephrolithiasis/nephrocalcinosis. Identifiers: MedGen CN580796.

Submission:

Ambry Genetics
Classification: Uncertain significance for Nephrolithiasis/nephrocalcinosis. Last evaluated: 2022-12-26. Review status: criteria provided, single submitter. Criteria: Ambry Variant Classification Scheme 2023. Collection method: clinical testing. Allele origin: germline.
Comment: The p.L977Q variant (also known as c.2930T>A), located in coding exon 6 of the CASR gene, results from a T to A substitution at nucleotide position 2930. The leucine at codon 977 is replaced by glutamine, an amino acid with dissimilar properties. This amino acid position is conserved. In addition, this alteration is predicted to be deleterious by in silico analysis. Since supporting evidence is limited at this time, the clinical significance of this alteration remains unclear.

NM_000388.4(CASR):c.2930T>A (p.Leu977Gln)

Gene: CASR (calcium sensing receptor; plus strand). Cytogenetic location: 3q21.1.
Variant type: single nucleotide variant.
Coding change: c.2930T>A on transcript NM_000388.4 (MANE Select); coding-DNA position 2930, T replaced by A.
Protein change: p.Leu977Gln; replaces leucine 977 with glutamine.
Molecular consequence: missense variant.
Genome position (GRCh38, 1-based): chr3:122,284,884, T>A. VCF-style: chr3-122284884-T-A. GRCh37 (hg19) VCF-style: chr3-122003731-T-A.
Other names: c.2960T>A, p.Leu987Gln (NM_001178065.2); short protein forms L977Q, L987Q.
Identifiers: ClinVar variation 2451457 (VCV002451457.2), dbSNP rs2473282699, ClinGen allele CA354161079.